The following is an entry in ClinVar:

ClinVar aggregate classification (germline): Uncertain significance (1 of 4 stars; one submission).

gnomAD v4.1: 13 of 1,613,942 alleles (0.00081%); highest among the groups gnomAD compares: Admixed American, 0.0033%; no homozygotes.

Submission:

Labcorp Genetics (formerly Invitae), Labcorp
Classification: Uncertain significance. Last evaluated: 2025-09-08. Review status: criteria provided, single submitter. Criteria: Invitae Variant Classification Sherloc (09022015). Collection method: clinical testing. Allele origin: germline.
Comment: This sequence change replaces aspartic acid, which is acidic and polar, with asparagine, which is neutral and polar, at codon 93 of the ADGRE2 protein (p.Asp93Asn). This variant is present in population databases (rs200777322, gnomAD 0.009%). This variant has not been reported in the literature in individuals affected with ADGRE2-related conditions. ClinVar contains an entry for this variant (Variation ID: 3707342). An algorithm developed to predict the effect of missense changes on protein structure and function (PolyPhen-2) suggests that this variant is likely to be tolerated. In summary, the available evidence is currently insufficient to determine the role of this variant in disease. Therefore, it has been classified as a Variant of Uncertain Significance.

NM_013447.4(ADGRE2):c.277G>A (p.Asp93Asn)

Gene: ADGRE2 (adhesion G protein-coupled receptor E2; minus strand). Cytogenetic location: 19p13.12.
Variant type: single nucleotide variant.
Coding change: c.277G>A on transcript NM_013447.4 (MANE Select); coding-DNA position 277, G replaced by A.
Protein change: p.Asp93Asn; replaces aspartic acid 93 with asparagine.
Molecular consequence: missense variant.
Genome position (GRCh38, 1-based): chr19:14,772,420, C>T on the plus strand (G>A on the coding strand, the complement: ADGRE2 is on the minus strand). VCF-style: chr19-14772420-C-T. GRCh37 (hg19) VCF-style: chr19-14883232-C-T.
Other names: c.277G>A, p.Asp93Asn (NM_001271052.1, NM_152916.2, NM_152917.2); short protein forms D93N.
Identifiers: ClinVar variation 3707342 (VCV003707342.2).